The following is an entry in ClinVar:

ClinVar aggregate classification (germline): Uncertain significance (1 of 4 stars; one submission).

Submission:

GeneDx
Classification: Uncertain significance. Last evaluated: 2023-06-28. Review status: criteria provided, single submitter. Criteria: GeneDx Variant Classification Process June 2021. Collection method: clinical testing. Allele origin: germline. Affected: yes.
Comment: Not observed at significant frequency in large population cohorts (gnomAD); In silico analysis supports that this missense variant does not alter protein structure/function; Has not been previously published as pathogenic or benign to our knowledge

NM_024496.4(IRF2BPL):c.296C>G (p.Ala99Gly)

Genes: IRF2BPL (interferon regulatory factor 2 binding protein like; minus strand), LOC107984638 (uncharacterized LOC107984638; plus strand). Cytogenetic location: 14q24.3.
Variant type: single nucleotide variant.
Coding change: c.296C>G on transcript NM_024496.4 (MANE Select); coding-DNA position 296, C replaced by G.
Protein change: p.Ala99Gly; replaces alanine 99 with glycine.
Molecular consequence: missense variant. On other transcripts: non-coding transcript variant (3).
Genome position (GRCh38, 1-based): chr14:77,027,497, G>C on the plus strand (C>G on the coding strand, the complement: IRF2BPL is on the minus strand). VCF-style: chr14-77027497-G-C. GRCh37 (hg19) VCF-style: chr14-77493840-G-C.
Other names: short protein forms A99G.
Identifiers: ClinVar variation 3340757 (VCV003340757.1).